The following is an entry in ClinVar:

NM_000368.5(TSC1):c.1343C>T (p.Pro448Leu)

Gene: TSC1 (TSC complex subunit 1; minus strand). Cytogenetic location: 9q34.13.
Variant type: single nucleotide variant.
Coding change: c.1343C>T on transcript NM_000368.5 (MANE Select); coding-DNA position 1343, C replaced by T.
Protein change: p.Pro448Leu; replaces proline 448 with leucine.
Molecular consequence: missense variant.
Genome position (GRCh38, 1-based): chr9:132,906,826, G>A on the plus strand (C>T on the coding strand, the complement: TSC1 is on the minus strand). VCF-style: chr9-132906826-G-A. GRCh37 (hg19) VCF-style: chr9-135782213-G-A.
Other names: c.1340C>T, p.Pro447Leu (NM_001162426.2); c.1190C>T, p.Pro397Leu (NM_001162427.2); c.980C>T, p.Pro327Leu (NM_001362177.2); short protein forms P448L, P327L, P447L, P397L.
Identifiers: ClinVar variation 64798 (VCV000064798.12), dbSNP rs397514848, ClinGen allele CA004693.

ClinVar aggregate classification (germline): Conflicting classifications of pathogenicity. Review status: criteria provided, conflicting classifications (1 of 4 stars). 3 submissions from 3 submitters: Uncertain significance (1); Likely benign (1). 1 of the submissions does not count toward it. Last evaluated 2026-06-22.

Conditions:
Hereditary cancer-predisposing syndrome. Also called: Neoplastic Syndromes, Hereditary; Hereditary neoplastic syndrome; Hereditary Cancer Syndrome; Tumor predisposition. Identifiers: Orphanet 140162, MedGen C0027672, MeSH D009386, MONDO:0015356.
Tuberous sclerosis syndrome (TSC). Also called: Tuberous Sclerosis Complex; Tuberous sclerosis. Identifiers: Orphanet 805, MedGen C0041341, MONDO:0001734.
Tuberous sclerosis 1 (TSC1). Identifiers: Orphanet 805, MedGen C1854465, MONDO:0008612, OMIM 191100.

Allele frequency attached by ClinVar (database versions not stated): gnomAD exomes below 0.00001.
gnomAD v4.1: 1 of 1,614,018 alleles (0.000062%); highest among the groups gnomAD compares: Non-Finnish European, 0.000085%; no homozygotes.

Submissions (3):

Ambry Genetics
Classification: Likely benign for Hereditary cancer-predisposing syndrome. Last evaluated: 2026-06-22. Review status: criteria provided, single submitter. Criteria: Ambry Variant Classification Scheme 2023. Collection method: clinical testing. Allele origin: germline.

Labcorp Genetics (formerly Invitae), Labcorp
Classification: Uncertain significance for Tuberous sclerosis 1. Last evaluated: 2025-02-13. Review status: criteria provided, single submitter. Criteria: Invitae Variant Classification Sherloc (09022015). Collection method: clinical testing. Allele origin: germline.
Comment: This sequence change replaces proline, which is neutral and non-polar, with leucine, which is neutral and non-polar, at codon 448 of the TSC1 protein (p.Pro448Leu). This variant is not present in population databases (gnomAD no frequency). This missense change has been observed in individual(s) with clinical features of TSC1-related conditions (PMID: 21520333). ClinVar contains an entry for this variant (Variation ID: 64798). Invitae Evidence Modeling of protein sequence and biophysical properties (such as structural, functional, and spatial information, amino acid conservation, physicochemical variation, residue mobility, and thermodynamic stability) indicates that this missense variant is not expected to disrupt TSC1 protein function with a negative predictive value of 95%. In summary, the available evidence is currently insufficient to determine the role of this variant in disease. Therefore, it has been classified as a Variant of Uncertain Significance.

Tuberous sclerosis database (TSC1)
No classification provided. Condition: TSC. Review status: no classification provided. Criteria: Tuberous Sclerosis Database Assertion Criteria 2015. Collection method: curation. Allele origin: germline. Affected: yes. Not counted in ClinVar's aggregate classification.

Literature cited by the submitters: PubMed 21520333 (cited by Labcorp Genetics (formerly Invitae), Labcorp).